The following is an entry in ClinVar:

NM_004415.4(DSP):c.1965T>G (p.Ile655Met)

Gene: DSP (desmoplakin; plus strand). Cytogenetic location: 6p24.3.
Variant type: single nucleotide variant.
Coding change: c.1965T>G on transcript NM_004415.4 (MANE Select); coding-DNA position 1965, T replaced by G.
Protein change: p.Ile655Met; replaces isoleucine 655 with methionine.
Molecular consequence: missense variant.
Genome position (GRCh38, 1-based): chr6:7,571,903, T>G. VCF-style: chr6-7571903-T-G. GRCh37 (hg19) VCF-style: chr6-7572136-T-G.
Other names: c.1965T>G, p.Ile655Met (NM_001008844.3, NM_001319034.2); short protein forms I655M.
Identifiers: ClinVar variation 3075034 (VCV003075034.1), dbSNP rs2533896443, ClinGen allele CA362680220.

ClinVar aggregate classification (germline): Uncertain significance (1 of 4 stars; one submission).

Conditions:
Arrhythmogenic cardiomyopathy with wooly hair and keratoderma. Also called: PALMOPLANTAR KERATODERMA WITH LEFT VENTRICULAR CARDIOMYOPATHY AND WOOLLY HAIR; Carvajal syndrome; Dilated cardiomyopathy with woolly hair and keratoderma; Arrhythmogenic cardiomyopathy with woolly hair and keratoderma. Identifiers: Orphanet 65282, MedGen C1854063, MONDO:0011581, OMIM 605676.

Submission:

All of Us Research Program, National Institutes of Health
Classification: Uncertain significance for Arrhythmogenic cardiomyopathy with wooly hair and keratoderma. Last evaluated: 2023-12-18. Review status: criteria provided, single submitter. Criteria: ACMG Guidelines, 2015. Collection method: clinical testing. Allele origin: germline. Inheritance: Autosomal dominant inheritance. Observed: 1 variant allele, 1 heterozygote.
Comment: This missense variant replaces isoleucine with methionine at codon 655 of the DSP protein. Computational prediction suggests that this variant may not impact protein structure and function (internally defined REVEL score threshold <= 0.5, PMID: 27666373). To our knowledge, functional studies have not been reported for this variant. This variant has not been reported in individuals affected with DSP-related disorders in the literature. This variant has not been identified in the general population by the Genome Aggregation Database (gnomAD). The available evidence is insufficient to determine the role of this variant in disease conclusively. Therefore, this variant is classified as a Variant of Uncertain Significance.

This study involves interpretation of variants in research participants for the purpose of population health screening. Participant phenotype was not available at the time of variant classification. Additional details can be found in publication PMID: 35346344, PMCID: PMC8962531